The following is an entry in ClinVar:

NM_017654.4(SAMD9):c.2373C>G (p.Tyr791Ter)

Gene: SAMD9 (sterile alpha motif domain containing 9; minus strand). Cytogenetic location: 7q21.2.
Variant type: single nucleotide variant.
Coding change: c.2373C>G on transcript NM_017654.4 (MANE Select); coding-DNA position 2373, C replaced by G.
Protein change: p.Tyr791Ter; replaces tyrosine 791 with a stop codon.
Molecular consequence: nonsense.
Genome position (GRCh38, 1-based): chr7:93,103,725, G>C on the plus strand (C>G on the coding strand, the complement: SAMD9 is on the minus strand). VCF-style: chr7-93103725-G-C. GRCh37 (hg19) VCF-style: chr7-92733038-G-C.
Other names: c.2373C>G, p.Tyr791Ter (NM_001193307.2); short protein forms Y791*.
Identifiers: ClinVar variation 1337021 (VCV001337021.8), dbSNP rs189020649, ClinGen allele CA161991807.

ClinVar aggregate classification (germline): Uncertain significance. Review status: criteria provided, multiple submitters, no conflicts (2 of 4 stars). 3 submissions from 3 submitters: Uncertain significance (3). Last evaluated 2025-09-17.

gnomAD v4.1: 48 of 1,613,566 alleles (0.003%); highest among the groups gnomAD compares: Non-Finnish European, 0.0036%; no homozygotes.

Submissions (3):

Labcorp Genetics (formerly Invitae), Labcorp
Classification: Uncertain significance. Last evaluated: 2025-09-17. Review status: criteria provided, single submitter. Criteria: Invitae Variant Classification Sherloc (09022015). Collection method: clinical testing. Allele origin: germline.
Comment: This sequence change creates a premature translational stop signal (p.Tyr791*) in the SAMD9 gene. While this is not anticipated to result in nonsense mediated decay, it is expected to disrupt the last 799 amino acid(s) of the SAMD9 protein. This variant is present in population databases (no rsID available, gnomAD 0.004%). This variant has not been reported in the literature in individuals affected with SAMD9-related conditions. ClinVar contains an entry for this variant (Variation ID: 1337021). In summary, the available evidence is currently insufficient to determine the role of this variant in disease. Therefore, it has been classified as a Variant of Uncertain Significance.

GeneDx
Classification: Uncertain significance. Last evaluated: 2024-08-08. Review status: criteria provided, single submitter. Criteria: GeneDx Variant Classification Process June 2021. Collection method: clinical testing. Allele origin: germline. Affected: yes.
Comment: Not observed at significant frequency in large population cohorts (gnomAD); Has not been previously published as pathogenic or benign to our knowledge; Nonsense variant predicted to result in protein truncation as the last 799 amino acids are lost in a gene for which loss-of-function is not an established mechanism of disease; This variant is associated with the following publications: (PMID: 28545555)

Genetic Services Laboratory, University of Chicago
Classification: Uncertain significance. Last evaluated: 2019-01-30. Review status: criteria provided, single submitter. Criteria: ACMG Guidelines, 2015. Collection method: clinical testing. Allele origin: germline. Affected: no.